The following is an entry in ClinVar:

NM_001367624.2(ZNF469):c.5021G>T (p.Cys1674Phe)

Gene: ZNF469 (zinc finger protein 469; plus strand). Cytogenetic location: 16q24.2.
Variant type: single nucleotide variant.
Coding change: c.5021G>T on transcript NM_001367624.2 (MANE Select); coding-DNA position 5021, G replaced by T.
Protein change: p.Cys1674Phe; replaces cysteine 1674 with phenylalanine.
Molecular consequence: missense variant.
Genome position (GRCh38, 1-based): chr16:88,432,491, G>T. VCF-style: chr16-88432491-G-T. GRCh37 (hg19) VCF-style: chr16-88498899-G-T.
Other names: NM_001127464.1:c.4937G>T; short protein forms C1674F.
Identifiers: ClinVar variation 5032276 (VCV005032276.1).

ClinVar aggregate classification (germline): Uncertain significance (1 of 4 stars; one submission).

Conditions:
Cardiovascular phenotype. Identifiers: MedGen CN230736.

Submission:

Ambry Genetics
Classification: Uncertain significance for Cardiovascular phenotype. Last evaluated: 2026-09-07. Review status: criteria provided, single submitter. Criteria: Ambry Variant Classification Scheme 2023. Collection method: clinical testing. Allele origin: germline.
Comment: The p.C1646F variant (also known as c.4937G>T), located in coding exon 2 of the ZNF469 gene, results from a G to T substitution at nucleotide position 4937. The cysteine at codon 1646 is replaced by phenylalanine, an amino acid with highly dissimilar properties. This amino acid position is conserved. In addition, this alteration is predicted to be tolerated by in silico analysis. Based on the available evidence, the clinical significance of this variant remains unclear.